The following is an entry in ClinVar:

ClinVar aggregate classification (germline): Pathogenic. Review status: criteria provided, multiple submitters, no conflicts (2 of 4 stars). 3 submissions from 3 submitters: Pathogenic (2). 1 of the submissions does not count toward it. Last evaluated 2025-09-28.

Conditions:
Diabetes insipidus, nephrogenic, X-linked. Also called: Nephrogenic Diabetes Insipidus, Type I. Identifiers: Orphanet 223, MedGen C1563705, MONDO:0010581, OMIM 304800.

Submissions (3):

Labcorp Genetics (formerly Invitae), Labcorp
Classification: Pathogenic. Last evaluated: 2025-09-28. Review status: criteria provided, single submitter. Criteria: Invitae Variant Classification Sherloc (09022015). Collection method: clinical testing. Allele origin: germline.
Comment: This sequence change replaces aspartic acid, which is acidic and polar, with asparagine, which is neutral and polar, at codon 85 of the AVPR2 protein (p.Asp85Asn). This variant is not present in population databases (gnomAD no frequency). This missense change has been observed in individuals with nephrogenic diabetes insipidus (PMID: 7933835, 20459358, 34101133). ClinVar contains an entry for this variant (Variation ID: 10845). Invitae Evidence Modeling of protein sequence and biophysical properties (such as structural, functional, and spatial information, amino acid conservation, physicochemical variation, residue mobility, and thermodynamic stability) indicates that this missense variant is expected to disrupt AVPR2 protein function with a positive predictive value of 80%. For these reasons, this variant has been classified as Pathogenic.

GeneDx
Classification: Pathogenic. Last evaluated: 2024-11-20. Review status: criteria provided, single submitter. Criteria: GeneDx Variant Classification Process June 2021. Collection method: clinical testing. Allele origin: germline. Affected: yes.
Comment: Not observed at significant frequency in large population cohorts (gnomAD); In silico analysis supports that this missense variant has a deleterious effect on protein structure/function; Published functional studies demonstrate a damaging effect by significantly impairing ligand binding affinity and AVP response efficiency (PMID: 9369448); This variant is associated with the following publications: (PMID: 20459358, 32073219, 34101133, 39414661, 23600372, 7933835, 9369448)

OMIM
Classification: Pathogenic for DIABETES INSIPIDUS, NEPHROGENIC, 1, X-LINKED. Last evaluated: 1997-06-01. Review status: no assertion criteria provided. Collection method: literature only. Allele origin: germline. Not counted in ClinVar's aggregate classification.

Literature cited by the submitters: PubMed 7933835 (cited by Labcorp Genetics (formerly Invitae), Labcorp); PubMed 20459358 (cited by Labcorp Genetics (formerly Invitae), Labcorp); PubMed 34101133 (cited by Labcorp Genetics (formerly Invitae), Labcorp); PubMed 9171234 (cited by OMIM).

NM_000054.7(AVPR2):c.253G>A (p.Asp85Asn)

Gene: AVPR2 (arginine vasopressin receptor 2; plus strand). Cytogenetic location: Xq28.
Variant type: single nucleotide variant.
Coding change: c.253G>A on transcript NM_000054.7 (MANE Select); coding-DNA position 253, G replaced by A.
Protein change: p.Asp85Asn; replaces aspartic acid 85 with asparagine.
Molecular consequence: missense variant.
Genome position (GRCh38, 1-based): chrX:153,905,759, G>A. VCF-style: chrX-153905759-G-A. GRCh37 (hg19) VCF-style: chrX-153171213-G-A.
Other names: c.253G>A, p.Asp85Asn (NM_001146151.3); short protein forms D85N.
Identifiers: ClinVar variation 10845 (VCV000010845.8), dbSNP rs104894754, ClinGen allele CA255573.